The following is an entry in ClinVar:

NM_001283009.2(RTEL1):c.2473G>A (p.Val825Ile)

Genes: RTEL1 (regulator of telomere elongation helicase 1; plus strand), RTEL1-TNFRSF6B (RTEL1-TNFRSF6B readthrough (NMD candidate); plus strand). Cytogenetic location: 20q13.33.
Variant type: single nucleotide variant.
Coding change: c.2473G>A on transcript NM_001283009.2 (MANE Select); coding-DNA position 2473, G replaced by A.
Protein change: p.Val825Ile; replaces valine 825 with isoleucine.
Molecular consequence: missense variant. On other transcripts: non-coding transcript variant (1).
Genome position (GRCh38, 1-based): chr20:63,690,864, G>A. VCF-style: chr20-63690864-G-A. GRCh37 (hg19) VCF-style: chr20-62322217-G-A.
Other names: c.1804G>A, p.Val602Ile (NM_001283010.1); c.2473G>A, p.Val825Ile (NM_016434.4); c.2545G>A, p.Val849Ile (NM_032957.5); c.2545G>A (NM_032957.4); short protein forms V602I, V825I, V849I.
Identifiers: ClinVar variation 3761265 (VCV003761265.3).

ClinVar aggregate classification (germline): Uncertain significance. Review status: criteria provided, multiple submitters, no conflicts (2 of 4 stars). 2 submissions from 2 submitters: Uncertain significance (2). Last evaluated 2025-12-11.

Conditions:
Pulmonary fibrosis and/or bone marrow failure, Telomere-related, 3. Also called: PULMONARY FIBROSIS AND/OR BONE MARROW FAILURE SYNDROME, TELOMERE-RELATED, 3. Identifiers: Orphanet 2032, MedGen C4225346, MONDO:0014613, OMIM 616373.
Dyskeratosis congenita, autosomal recessive 5 (DKCB5). Identifiers: MedGen C3554656, MONDO:0014076, OMIM 615190.
Inborn genetic diseases. Identifiers: MedGen C0950123, MeSH D030342.

gnomAD v4.1: 3 of 1,602,018 alleles (0.00019%); highest among the groups gnomAD compares: Admixed American, 0.0017%; no homozygotes.

Submissions (2):

Labcorp Genetics (formerly Invitae), Labcorp
Classification: Uncertain significance for Dyskeratosis congenita, autosomal recessive 5; Pulmonary fibrosis and/or bone marrow failure, Telomere-related, 3. Last evaluated: 2025-12-11. Review status: criteria provided, single submitter. Criteria: Invitae Variant Classification Sherloc (09022015). Collection method: clinical testing. Allele origin: germline.
Comment: This sequence change replaces valine, which is neutral and non-polar, with isoleucine, which is neutral and non-polar, at codon 825 of the RTEL1 protein (p.Val825Ile). This variant is not present in population databases (gnomAD no frequency). This variant has not been reported in the literature in individuals affected with RTEL1-related conditions. ClinVar contains an entry for this variant (Variation ID: 3761265). An algorithm developed to predict the effect of missense changes on protein structure and function (PolyPhen-2) suggests that this variant is likely to be tolerated. In summary, the available evidence is currently insufficient to determine the role of this variant in disease. Therefore, it has been classified as a Variant of Uncertain Significance.

Ambry Genetics
Classification: Uncertain significance for Inborn genetic diseases. Last evaluated: 2025-04-10. Review status: criteria provided, single submitter. Criteria: Ambry Variant Classification Scheme 2023. Collection method: clinical testing. Allele origin: germline.